The following is an entry in ClinVar:

NM_005045.4(RELN):c.4220A>C (p.Tyr1407Ser)

Gene: RELN (reelin; minus strand). Cytogenetic location: 7q22.1.
Variant type: single nucleotide variant.
Coding change: c.4220A>C on transcript NM_005045.4 (MANE Select); coding-DNA position 4220, A replaced by C.
Protein change: p.Tyr1407Ser; replaces tyrosine 1407 with serine.
Molecular consequence: missense variant.
Genome position (GRCh38, 1-based): chr7:103,575,631, T>G on the plus strand (A>C on the coding strand, the complement: RELN is on the minus strand). VCF-style: chr7-103575631-T-G. GRCh37 (hg19) VCF-style: chr7-103216078-T-G.
Other names: c.4220A>C, p.Tyr1407Ser (NM_173054.3); short protein forms Y1407S.
Identifiers: ClinVar variation 4891400 (VCV004891400.1).

ClinVar aggregate classification (germline): Uncertain significance (1 of 4 stars; one submission).

gnomAD v4.1: 1 of 1,614,170 alleles (0.000062%); highest among the groups gnomAD compares: Non-Finnish European, 0.000085%; no homozygotes.

Submission:

GeneDx
Classification: Uncertain significance. Last evaluated: 2026-02-20. Review status: criteria provided, single submitter. Criteria: GeneDx Variant Classification Process June 2021. Collection method: clinical testing. Allele origin: germline.
Comment: Not observed at significant frequency in large population cohorts (gnomAD); In silico analysis supports that this missense variant has a deleterious effect on protein structure/function; Has not been previously published as pathogenic or benign to our knowledge